The following is an entry in ClinVar:

ClinVar aggregate classification (germline): Uncertain significance (1 of 4 stars; one submission).

Allele frequency attached by ClinVar (database versions not stated): gnomAD exomes below 0.00001.

Submission:

Labcorp Genetics (formerly Invitae), Labcorp
Classification: Uncertain significance. Last evaluated: 2024-05-08. Review status: criteria provided, single submitter. Criteria: Invitae Variant Classification Sherloc (09022015). Collection method: clinical testing. Allele origin: germline.
Comment: This sequence change replaces glutamine, which is neutral and polar, with arginine, which is basic and polar, at codon 385 of the POLE protein (p.Gln385Arg). This variant is not present in population databases (gnomAD no frequency). This variant has not been reported in the literature in individuals affected with POLE-related conditions. ClinVar contains an entry for this variant (Variation ID: 1025181). Advanced modeling of protein sequence and biophysical properties (such as structural, functional, and spatial information, amino acid conservation, physicochemical variation, residue mobility, and thermodynamic stability) performed at Invitae indicates that this missense variant is not expected to disrupt POLE protein function with a negative predictive value of 80%. In summary, the available evidence is currently insufficient to determine the role of this variant in disease. Therefore, it has been classified as a Variant of Uncertain Significance.

NM_006231.4(POLE):c.1154A>G (p.Gln385Arg)

Gene: POLE (DNA polymerase epsilon, catalytic subunit; minus strand). Cytogenetic location: 12q24.33.
Variant type: single nucleotide variant.
Coding change: c.1154A>G on transcript NM_006231.4 (MANE Select); coding-DNA position 1154, A replaced by G.
Protein change: p.Gln385Arg; replaces glutamine 385 with arginine.
Molecular consequence: missense variant.
Genome position (GRCh38, 1-based): chr12:132,675,470, T>C on the plus strand (A>G on the coding strand, the complement: POLE is on the minus strand). VCF-style: chr12-132675470-T-C. GRCh37 (hg19) VCF-style: chr12-133252056-T-C.
Other names: short protein forms Q385R.
Identifiers: ClinVar variation 1025181 (VCV001025181.8), dbSNP rs2043025480, ClinGen allele CA387360995.